The following is an entry in ClinVar:

ClinVar aggregate classification (germline): Uncertain significance. Review status: criteria provided, single submitter (1 of 4 stars). 2 submissions from 2 submitters: Uncertain significance (1). 1 of the submissions does not count toward it. Last evaluated 2020-11-23.

Conditions:
Nemaline myopathy 2 (NEM2). Also called: Nemaline myopathy 2, autosomal recessive. Identifiers: MedGen C1850569, MONDO:0009725, OMIM 256030.

Allele frequency attached by ClinVar (database versions not stated): gnomAD exomes below 0.00001; TOPMed below 0.00001; gnomAD 0.00001.
gnomAD v4.1: 5 of 1,608,684 alleles (0.00031%); highest among the groups gnomAD compares: African/African-American, 0.0013%; no homozygotes.

Submissions (2):

Labcorp Genetics (formerly Invitae), Labcorp
Classification: Uncertain significance for Nemaline myopathy 2. Last evaluated: 2020-11-23. Review status: criteria provided, single submitter. Criteria: Invitae Variant Classification Sherloc (09022015). Collection method: clinical testing. Allele origin: germline.
Comment: This sequence change replaces asparagine with serine at codon 390 of the NEB protein (p.Asn390Ser). The asparagine residue is moderately conserved and there is a small physicochemical difference between asparagine and serine. This variant is not present in population databases (ExAC no frequency). This variant has not been reported in the literature in individuals with NEB-related conditions. Algorithms developed to predict the effect of missense changes on protein structure and function are either unavailable or do not agree on the potential impact of this missense change (SIFT: "Deleterious"; PolyPhen-2: "Not Available"; Align-GVGD: "Class C0"). In summary, the available evidence is currently insufficient to determine the role of this variant in disease. Therefore, it has been classified as a Variant of Uncertain Significance.

Natera, Inc.
Classification: Uncertain significance for Nemaline myopathy type 2. Last evaluated: 2025-04-06. Review status: no assertion criteria provided. Collection method: clinical testing. Allele origin: germline. Not counted in ClinVar's aggregate classification.

NM_001164508.2(NEB):c.1169A>G (p.Asn390Ser)

Gene: NEB (nebulin; minus strand). Cytogenetic location: 2q23.3.
Variant type: single nucleotide variant.
Coding change: c.1169A>G on transcript NM_001164508.2 (MANE Select); coding-DNA position 1169, A replaced by G.
Protein change: p.Asn390Ser; replaces asparagine 390 with serine.
Molecular consequence: missense variant.
Genome position (GRCh38, 1-based): chr2:151,697,632, T>C on the plus strand (A>G on the coding strand, the complement: NEB is on the minus strand). VCF-style: chr2-151697632-T-C. GRCh37 (hg19) VCF-style: chr2-152554146-T-C.
Other names: c.1169A>G, p.Asn390Ser (NM_001164507.2, NM_001271208.2, NM_004543.5); short protein forms N390S.
Identifiers: ClinVar variation 1985438 (VCV001985438.2), dbSNP rs1376539538, ClinGen allele CA348826003.